The following is an entry in ClinVar:

NM_005591.4(MRE11):c.870A>T (p.Lys290Asn)

Gene: MRE11 (MRE11 double strand break repair nuclease; minus strand). Cytogenetic location: 11q21.
Variant type: single nucleotide variant.
Coding change: c.870A>T on transcript NM_005591.4 (MANE Select); coding-DNA position 870, A replaced by T.
Protein change: p.Lys290Asn; replaces lysine 290 with asparagine.
Molecular consequence: missense variant.
Genome position (GRCh38, 1-based): chr11:94,470,618, T>A on the plus strand (A>T on the coding strand, the complement: MRE11 is on the minus strand). VCF-style: chr11-94470618-T-A. GRCh37 (hg19) VCF-style: chr11-94203784-T-A.
Other names: c.870A>T, p.Lys290Asn (NM_001330347.2, NM_005590.4); short protein forms K290N.
Identifiers: ClinVar variation 483645 (VCV000483645.5), dbSNP rs1555012808, ClinGen allele CA382374757.

ClinVar aggregate classification (germline): Uncertain significance (1 of 4 stars; one submission).

Conditions:
Hereditary cancer-predisposing syndrome. Also called: Neoplastic Syndromes, Hereditary; Tumor predisposition; Hereditary Cancer Syndrome; Hereditary neoplastic syndrome. Identifiers: Orphanet 140162, MedGen C0027672, MeSH D009386, MONDO:0015356.

Submission:

Ambry Genetics
Classification: Uncertain significance for Hereditary cancer-predisposing syndrome. Last evaluated: 2017-05-05. Review status: criteria provided, single submitter. Criteria: Ambry Variant Classification Scheme 2023. Collection method: clinical testing. Allele origin: germline.
Comment: The p.K290N variant (also known as c.870A>T), located in coding exon 8 of the MRE11A gene, results from an A to T substitution at nucleotide position 870. The lysine at codon 290 is replaced by asparagine, an amino acid with similar properties. This amino acid position is highly conserved in available vertebrate species. In addition, this alteration is predicted to be tolerated by in silico analysis. Since supporting evidence is limited at this time, the clinical significance of this alteration remains unclear.